The following is an entry in ClinVar:

NM_006734.4(HIVEP2):c.5744del (p.Asp1915fs)

Gene: HIVEP2 (HIVEP zinc finger 2; minus strand). Cytogenetic location: 6q24.2.
Variant type: Deletion.
Coding change: c.5744del on transcript NM_006734.4 (MANE Select); coding-DNA position 5744, one base deleted (A; older notation c.5744delA).
Protein change: p.Asp1915fs; shifts the reading frame from aspartic acid 1915.
Molecular consequence: frameshift variant.
Genome position (GRCh38, 1-based): chr6:142,760,544, T deleted on the plus strand (A on the coding strand, the reverse complement: HIVEP2 is on the minus strand). VCF-style (leftmost placement, unchanged base first): chr6-142760543-AT-A. GRCh37 (hg19) VCF-style: chr6-143081680-AT-A.
Other names: short protein forms D1915fs.
Identifiers: ClinVar variation 861448 (VCV000861448.9), dbSNP rs1775202280, ClinGen allele CA916082907.

ClinVar aggregate classification (germline): Pathogenic (1 of 4 stars; one submission).

Submission:

Labcorp Genetics (formerly Invitae), Labcorp
Classification: Pathogenic. Last evaluated: 2019-11-27. Review status: criteria provided, single submitter. Criteria: Invitae Variant Classification Sherloc (09022015). Collection method: clinical testing. Allele origin: germline.
Comment: This variant is not present in population databases (ExAC no frequency). For these reasons, this variant has been classified as Pathogenic. Loss-of-function variants in HIVEP2 are known to be pathogenic (PMID: 27003583). This variant has been observed in individual(s) with clinical features of HIVEP2-related intellectual disability (Invitae). In at least one individual the variant was observed to be de novo. This sequence change creates a premature translational stop signal (p.Asp1915Valfs*13) in the HIVEP2 gene. It is expected to result in an absent or disrupted protein product.

Literature cited by the submitters: PubMed 27003583.